The following is an entry in ClinVar:

NM_182961.4(SYNE1):c.24356G>A (p.Ser8119Asn)

Gene: SYNE1 (spectrin repeat containing nuclear envelope protein 1; minus strand). Cytogenetic location: 6q25.2.
Variant type: single nucleotide variant.
Coding change: c.24356G>A on transcript NM_182961.4 (MANE Select); coding-DNA position 24356, G replaced by A.
Protein change: p.Ser8119Asn; replaces serine 8119 with asparagine.
Molecular consequence: missense variant.
Genome position (GRCh38, 1-based): chr6:152,151,647, C>T on the plus strand (G>A on the coding strand, the complement: SYNE1 is on the minus strand). VCF-style: chr6-152151647-C-T. GRCh37 (hg19) VCF-style: chr6-152472782-C-T.
Other names: c.962G>A, p.Ser321Asn (NM_001347701.2); c.821G>A, p.Ser274Asn (NM_001347702.2); c.24143G>A, p.Ser8048Asn (NM_033071.5); short protein forms S274N, S321N, S8048N, S8119N.
Identifiers: ClinVar variation 1309200 (VCV001309200.2), dbSNP rs1400348957, ClinGen allele CA366086717.

ClinVar aggregate classification (germline): Uncertain significance (1 of 4 stars; one submission).

Allele frequency attached by ClinVar (database versions not stated): gnomAD exomes below 0.00001; TOPMed below 0.00001.
gnomAD v4.1: 1 of 1,614,152 alleles (0.000062%); highest among the groups gnomAD compares: Admixed American, 0.0017%; no homozygotes.

Submission:

GeneDx
Classification: Uncertain significance. Last evaluated: 2019-10-17. Review status: criteria provided, single submitter. Criteria: GeneDx Variant Classification Process June 2021. Collection method: clinical testing. Allele origin: germline. Affected: yes.
Comment: Has not been previously published as pathogenic or benign to our knowledge; Not observed at a significant frequency in large population cohorts (Lek et al., 2016); In silico analysis, which includes protein predictors and evolutionary conservation, supports that this variant does not alter protein structure/function